The following is an entry in ClinVar:

ClinVar aggregate classification (germline): Likely benign. Review status: criteria provided, multiple submitters, no conflicts (2 of 4 stars). 3 submissions from 3 submitters: Likely benign (3). Last evaluated 2026-05-01.

Allele frequency attached by ClinVar (database versions not stated): 1000 Genomes Project 0.00020; 1000 Genomes Project 30x 0.00031; gnomAD exomes 0.00036; gnomAD 0.00037 and 0.00038; TOPMed 0.00038; ExAC 0.00044; ESP Exome Variant Server 0.00047.

Submissions (6):

CeGaT Center for Human Genetics Tuebingen
Classification: Likely benign. Last evaluated: 2026-05-01. Review status: criteria provided, single submitter. Criteria: CeGaT Center For Human Genetics Tuebingen Variant Classification Criteria Version 2. Collection method: clinical testing. Allele origin: germline. Affected: yes. Observed: 5 variant alleles.
Comment: INTS1: BP4, BP7

Blueprint Genetics
Classification: Likely benign. Last evaluated: 2024-11-25. Review status: criteria provided, single submitter. Criteria: ACMG Guidelines, 2015. Collection method: clinical testing. Allele origin: germline.

Labcorp Genetics (formerly Invitae), Labcorp
Classification: Likely benign. Last evaluated: 2018-05-14. Review status: criteria provided, single submitter. Criteria: Invitae Variant Classification Sherloc (09022015). Collection method: clinical testing. Allele origin: germline.

Dr. Peter K. Rogan Lab, Western University
No classification provided (evidence only). Condition: Ovarian serous cystadenocarcinoma. Review status: no classification provided. Collection method: in vitro. Allele origin: not applicable. Functional consequence: retained intron. Not counted in ClinVar's aggregate classification.

Dr. Peter K. Rogan Lab, Western University
No classification provided (evidence only). Condition: Gastric cancer. Review status: no classification provided. Collection method: in vitro. Allele origin: not applicable. Functional consequence: retained intron. Not counted in ClinVar's aggregate classification.

Dr. Peter K. Rogan Lab, Western University
No classification provided (evidence only). Condition: Gastric cancer. Review status: no classification provided. Collection method: in vitro. Allele origin: not applicable. Functional consequence: retained intron. Not counted in ClinVar's aggregate classification.

NM_001080453.3(INTS1):c.3765G>C (p.Val1255=)

Gene: INTS1 (integrator complex subunit 1; minus strand). Cytogenetic location: 7p22.3.
Variant type: single nucleotide variant.
Coding change: c.3765G>C on transcript NM_001080453.3 (MANE Select); coding-DNA position 3765, G replaced by C.
Protein change: p.Val1255=; no amino-acid change (valine 1255 retained).
Molecular consequence: synonymous variant.
Genome position (GRCh38, 1-based): chr7:1,481,427, C>G on the plus strand (G>C on the coding strand, the complement: INTS1 is on the minus strand). VCF-style: chr7-1481427-C-G. GRCh37 (hg19) VCF-style: chr7-1521063-C-G.
Other names: NC_000007.13:g.1521063C>G.
Identifiers: ClinVar variation 782107 (VCV000782107.29), dbSNP rs201348159, ClinGen allele CA4119122.